The following is an entry in ClinVar:

ClinVar aggregate classification (germline): Benign/Likely benign. Review status: criteria provided, multiple submitters, no conflicts (2 of 4 stars). 9 submissions from 8 submitters: Benign (2); Likely benign (5). 2 of the submissions do not count toward it. Last evaluated 2026-01-27.

Conditions:
Breast and/or ovarian cancer. Identifiers: MedGen CN221562.
Breast-ovarian cancer, familial, susceptibility to, 3. Also called: RAD51C-Related Breast/Ovarian Cancer. Identifiers: Orphanet 145, MedGen C3150659, MONDO:0013253, OMIM 613399.
Hereditary cancer-predisposing syndrome. Also called: Tumor predisposition; Neoplastic Syndromes, Hereditary; Hereditary Cancer Syndrome; Hereditary neoplastic syndrome. Identifiers: Orphanet 140162, MedGen C0027672, MeSH D009386, MONDO:0015356.
Fanconi anemia complementation group O. Also called: RAD51C-Related Fanconi Anemia. Identifiers: Orphanet 84, MedGen C3150653, MONDO:0013248, OMIM 613390.

Allele frequency attached by ClinVar (database versions not stated): gnomAD exomes 0.00011; ExAC 0.00014; gnomAD 0.00030 and 0.00034; 1000 Genomes Project 30x 0.00031; ESP Exome Variant Server 0.00031; TOPMed 0.00038; 1000 Genomes Project 0.00040.
gnomAD v4.1: 104 of 1,613,274 alleles (0.0064%); highest among the groups gnomAD compares: African/African-American, 0.12%; no homozygotes.

Submissions (9):

Labcorp Genetics (formerly Invitae), Labcorp
Classification: Likely benign for Fanconi anemia complementation group O. Last evaluated: 2026-01-27. Review status: criteria provided, single submitter. Criteria: Invitae Variant Classification Sherloc (09022015). Collection method: clinical testing. Allele origin: germline.

KCCC/NGS Laboratory, Kuwait Cancer Control Center
Classification: Benign for Breast-ovarian cancer, familial, susceptibility to, 3. Last evaluated: 2025-02-01. Review status: criteria provided, single submitter. Criteria: ACMG Guidelines, 2015. Collection method: clinical testing. Allele origin: germline. Affected: no.

Blueprint Genetics
Classification: Likely benign. Last evaluated: 2023-06-02. Review status: criteria provided, single submitter. Criteria: ACMG Guidelines, 2015. Collection method: clinical testing. Allele origin: germline.

CHEO Genetics Diagnostic Laboratory, Children's Hospital of Eastern Ontario
Classification: Likely benign for Breast and/or ovarian cancer. Last evaluated: 2023-04-25. Review status: criteria provided, single submitter. Criteria: ACMG Guidelines, 2015. Collection method: clinical testing. Allele origin: germline.

PreventionGenetics, part of Exact Sciences
Classification: Likely benign. Last evaluated: 2016-10-03. Review status: criteria provided, single submitter. Criteria: ACMG Guidelines, 2015. Collection method: clinical testing. Allele origin: germline.

Color Diagnostics, LLC DBA Color Health
Classification: Likely benign for Hereditary cancer-predisposing syndrome. Last evaluated: 2016-04-20. Review status: criteria provided, single submitter. Criteria: ACMG Guidelines, 2015. Collection method: clinical testing. Allele origin: germline.

GeneDx
Classification: Benign. Last evaluated: 2015-05-18. Review status: criteria provided, single submitter. Criteria: GeneDx Variant Classification (06012015). Collection method: clinical testing. Allele origin: germline. Affected: yes.
Comment: This variant is considered likely benign or benign based on one or more of the following criteria: it is a conservative change, it occurs at a poorly conserved position in the protein, it is predicted to be benign by multiple in silico algorithms, and/or has population frequency not consistent with disease.

Counsyl
Classification: Likely benign for Fanconi anemia complementation group O. Last evaluated: 2016-09-20. Review status: no assertion criteria provided. Collection method: clinical testing. Allele origin: unknown. Not counted in ClinVar's aggregate classification.

Counsyl
Classification: Likely benign for Breast-ovarian cancer, familial, susceptibility to, 3. Last evaluated: 2016-09-20. Review status: no assertion criteria provided. Collection method: clinical testing. Allele origin: unknown. Not counted in ClinVar's aggregate classification.

NM_058216.3(RAD51C):c.571+16A>G

Gene: RAD51C (RAD51 paralog C; plus strand). Cytogenetic location: 17q22.
Variant type: single nucleotide variant.
Coding change: c.571+16A>G on transcript NM_058216.3 (MANE Select); 16 bases into the intron after coding-DNA position 571, A replaced by G.
Molecular consequence: intron variant.
Genome position (GRCh38, 1-based): chr17:58,696,875, A>G. VCF-style: chr17-58696875-A-G. GRCh37 (hg19) VCF-style: chr17-56774236-A-G.
Other names: c.571+16A>G (LRG_314t1).
Identifiers: ClinVar variation 372093 (VCV000372093.18), dbSNP rs141621051, ClinGen allele CA8677263.
Genomic context (GRCh38, chr17:58,696,875, plus strand): 5'-GCATTCAGCACCTTCAGCTTATAGCAGAAAAACACAAGGGAGAGGGTAAGTTAGTAAATG[A>G]TCTTCTTTTTTTCTGTATTAATAAAAGTAATTTGCATTTGTGCCCATCTGAGACCTCAGC-3'